The following is an entry in ClinVar:

NM_017654.4(SAMD9):c.1508A>G (p.Glu503Gly)

Gene: SAMD9 (sterile alpha motif domain containing 9; minus strand). Cytogenetic location: 7q21.2.
Variant type: single nucleotide variant.
Coding change: c.1508A>G on transcript NM_017654.4 (MANE Select); coding-DNA position 1508, A replaced by G.
Protein change: p.Glu503Gly; replaces glutamic acid 503 with glycine.
Molecular consequence: missense variant.
Genome position (GRCh38, 1-based): chr7:93,104,590, T>C on the plus strand (A>G on the coding strand, the complement: SAMD9 is on the minus strand). VCF-style: chr7-93104590-T-C. GRCh37 (hg19) VCF-style: chr7-92733903-T-C.
Other names: c.1508A>G, p.Glu503Gly (NM_001193307.2); short protein forms E503G.
Identifiers: ClinVar variation 2793433 (VCV002793433.3), dbSNP rs2535360447, ClinGen allele CA368196159.

ClinVar aggregate classification (germline): Uncertain significance (1 of 4 stars; one submission).

Allele frequency attached by ClinVar (database versions not stated): gnomAD exomes below 0.00001.
gnomAD v4.1: 4 of 1,614,070 alleles (0.00025%); highest among the groups gnomAD compares: South Asian, 0.0011%; no homozygotes.

Submission:

Labcorp Genetics (formerly Invitae), Labcorp
Classification: Uncertain significance. Last evaluated: 2022-12-24. Review status: criteria provided, single submitter. Criteria: Invitae Variant Classification Sherloc (09022015). Collection method: clinical testing. Allele origin: germline.
Comment: This sequence change replaces glutamic acid, which is acidic and polar, with glycine, which is neutral and non-polar, at codon 503 of the SAMD9 protein (p.Glu503Gly). This variant is not present in population databases (gnomAD no frequency). This variant has not been reported in the literature in individuals affected with SAMD9-related conditions. Advanced modeling of protein sequence and biophysical properties (such as structural, functional, and spatial information, amino acid conservation, physicochemical variation, residue mobility, and thermodynamic stability) performed at Invitae indicates that this missense variant is not expected to disrupt SAMD9 protein function. In summary, the available evidence is currently insufficient to determine the role of this variant in disease. Therefore, it has been classified as a Variant of Uncertain Significance.